The following is an entry in ClinVar:

ClinVar aggregate classification (germline): Pathogenic (1 of 4 stars; one submission).

Conditions:
Primary ciliary dyskinesia. Also called: Ciliary dyskinesia. Identifiers: Orphanet 244, MedGen C0008780, MONDO:0016575, HP:0012265.

Submission:

Labcorp Genetics (formerly Invitae), Labcorp
Classification: Pathogenic for Primary ciliary dyskinesia. Last evaluated: 2024-05-28. Review status: criteria provided, single submitter. Criteria: Invitae Variant Classification Sherloc (09022015). Collection method: clinical testing. Allele origin: germline.
Comment: This sequence change creates a premature translational stop signal (p.Val389Trpfs*86) in the DNAAF3 gene. While this is not anticipated to result in nonsense mediated decay, it is expected to disrupt the last 220 amino acid(s) of the DNAAF3 protein. This variant is not present in population databases (gnomAD no frequency). This variant has not been reported in the literature in individuals affected with DNAAF3-related conditions. This variant disrupts a region of the DNAAF3 protein in which other variant(s) (p.Gln487*) have been determined to be pathogenic (Invitae). This suggests that this is a clinically significant region of the protein, and that variants that disrupt it are likely to be disease-causing. For these reasons, this variant has been classified as Pathogenic.

NM_001256715.2(DNAAF3):c.961del (p.Val321fs)

Genes: DNAAF3 (dynein axonemal assembly factor 3; minus strand), DNAAF3-AS1 (DNAAF3 antisense RNA 1; plus strand), LOC130065090 (ATAC-STARR-seq lymphoblastoid silent region 11016; plus strand). Cytogenetic location: 19q13.42.
Variant type: Deletion.
Coding change: c.961del on transcript NM_001256715.2 (MANE Select); coding-DNA position 961, one base deleted (G; older notation c.961delG).
Protein change: p.Val321fs; shifts the reading frame from valine 321.
Molecular consequence: frameshift variant.
Genome position (GRCh38, 1-based): chr19:55,160,727, C deleted on the plus strand (G on the coding strand, the reverse complement: DNAAF3 is on the minus strand). VCF-style (leftmost placement, unchanged base first): chr19-55160726-AC-A. GRCh37 (hg19) VCF-style: chr19-55672094-AC-A.
Other names: c.1165del, p.Val389fs (NM_001256714.1); c.799del, p.Val267fs (NM_001256716.2); c.1102del, p.Val368fs (NM_178837.4); short protein forms V267fs, V321fs, V389fs, V368fs.
Identifiers: ClinVar variation 3654297 (VCV003654297.2).